The following is an entry in ClinVar:

NM_000428.3(LTBP2):c.2628C>G (p.Tyr876Ter)

Gene: LTBP2 (latent transforming growth factor beta binding protein 2; minus strand). Cytogenetic location: 14q24.3.
Variant type: single nucleotide variant.
Coding change: c.2628C>G on transcript NM_000428.3 (MANE Select); coding-DNA position 2628, C replaced by G.
Protein change: p.Tyr876Ter; replaces tyrosine 876 with a stop codon.
Molecular consequence: nonsense.
Genome position (GRCh38, 1-based): chr14:74,522,821, G>C on the plus strand (C>G on the coding strand, the complement: LTBP2 is on the minus strand). VCF-style: chr14-74522821-G-C. GRCh37 (hg19) VCF-style: chr14-74989524-G-C.
Other names: short protein forms Y876*.
Identifiers: ClinVar variation 620487 (VCV000620487.5), dbSNP rs1566622093, ClinGen allele CA390392225.

ClinVar aggregate classification (germline): Pathogenic/Likely pathogenic. Review status: criteria provided, multiple submitters, no conflicts (2 of 4 stars). 2 submissions from 2 submitters: Pathogenic (1); Likely pathogenic (1). Last evaluated 2022-08-22.

Submissions (2):

Labcorp Genetics (formerly Invitae), Labcorp
Classification: Pathogenic. Last evaluated: 2022-08-22. Review status: criteria provided, single submitter. Criteria: Invitae Variant Classification Sherloc (09022015). Collection method: clinical testing. Allele origin: germline.
Comment: This sequence change creates a premature translational stop signal (p.Tyr876*) in the LTBP2 gene. It is expected to result in an absent or disrupted protein product. Loss-of-function variants in LTBP2 are known to be pathogenic (PMID: 19361779, 22025892). This variant is not present in population databases (gnomAD no frequency). This variant has not been reported in the literature in individuals affected with LTBP2-related conditions. ClinVar contains an entry for this variant (Variation ID: 620487). For these reasons, this variant has been classified as Pathogenic.

GeneDx
Classification: Likely pathogenic. Last evaluated: 2018-12-19. Review status: criteria provided, single submitter. Criteria: GeneDx Variant Classification (06012015). Collection method: clinical testing. Allele origin: germline. Affected: yes.
Comment: The Y876X variant in the LTBP2 gene has not been reported previously as a pathogenic variant nor as a benign variant, to our knowledge. This variant is predicted to cause loss of normal protein function either through protein truncation or nonsense-mediated mRNA decay. The Y876X variant is not observed in large population cohorts (Lek et al., 2016). We interpret Y876X as a likely pathogenic variant.

Literature cited by the submitters: PubMed 19361779 (cited by Labcorp Genetics (formerly Invitae), Labcorp); PubMed 22025892 (cited by Labcorp Genetics (formerly Invitae), Labcorp).